The following is an entry in ClinVar:

NM_000090.4(COL3A1):c.1850A>G (p.Gln617Arg)

Gene: COL3A1 (collagen type III alpha 1 chain; plus strand). Cytogenetic location: 2q32.2.
Variant type: single nucleotide variant.
Coding change: c.1850A>G on transcript NM_000090.4 (MANE Select); coding-DNA position 1850, A replaced by G.
Protein change: p.Gln617Arg; replaces glutamine 617 with arginine.
Molecular consequence: missense variant.
Genome position (GRCh38, 1-based): chr2:188,997,370, A>G. VCF-style: chr2-188997370-A-G. GRCh37 (hg19) VCF-style: chr2-189862096-A-G.
Other names: short protein forms Q617R.
Identifiers: ClinVar variation 918250 (VCV000918250.5), dbSNP rs1430358032, ClinGen allele CA349853488.
Genomic context (GRCh38, chr2:188,997,370, plus strand): 5'-ACTTCCCTAACTGTTCTTGTTTTTAGGGTCCTCCTGGAAAGAATGGTGAAACTGGACCTC[A>G]GGGACCCCCAGGGCCTACTGTAAGTTCACTCATATAAAATTGGAGATGAAAATAGGGTGG-3'
Protein context (NP_000081.2, residues 607-627): PPGKNGETGP[Gln617Arg]GPPGPTGPGG

ClinVar aggregate classification (germline): Uncertain significance (1 of 4 stars; one submission).

Conditions:
Familial thoracic aortic aneurysm and aortic dissection (TAAD). Also called: Thoracic aortic aneurysms and dissections. Identifiers: Orphanet 91387, MedGen C4707243, MONDO:0019625.

Submission:

Color Diagnostics, LLC DBA Color Health
Classification: Uncertain significance for Familial thoracic aortic aneurysm and aortic dissection. Last evaluated: 2023-12-05. Review status: criteria provided, single submitter. Criteria: ACMG Guidelines, 2015. Collection method: clinical testing. Allele origin: germline.
Comment: Variant of Uncertain Significance due to insufficient evidence: This missense variant replaces glutamine with arginine at codon 617 of the COL3A1 protein. Computational prediction tools and conservation analyses are inconclusive regarding the impact of this variant on the protein function. Computational splicing tools suggest that this variant may not impact RNA splicing. To our knowledge, functional assays have not been performed for this variant nor has this variant been reported in individuals affected with cardiovascular disorders in the literature. This variant is rare in the general population and has been identified in 0/277264 chromosomes by the Genome Aggregation Database (gnomAD). Available evidence is insufficient to determine the role of this variant in disease conclusively.